The following is an entry in ClinVar:

NM_016204.4(GDF2):c.875C>T (p.Ser292Phe)

Gene: GDF2 (growth differentiation factor 2; plus strand). Cytogenetic location: 10q11.22.
Variant type: single nucleotide variant.
Coding change: c.875C>T on transcript NM_016204.4 (MANE Select); coding-DNA position 875, C replaced by T.
Protein change: p.Ser292Phe; replaces serine 292 with phenylalanine.
Molecular consequence: missense variant.
Genome position (GRCh38, 1-based): chr10:47,325,369, C>T. VCF-style: chr10-47325369-C-T. GRCh37 (hg19) VCF-style: chr10-48413993-G-A.
Other names: short protein forms S292F.
Identifiers: ClinVar variation 3343404 (VCV003343404.1).

ClinVar aggregate classification (germline): Uncertain significance (1 of 4 stars; one submission).

gnomAD v4.1: 1 of 1,614,136 alleles (0.000062%); highest among the groups gnomAD compares: African/African-American, 0.0013%; no homozygotes.

Submission:

GeneDx
Classification: Uncertain significance. Last evaluated: 2023-05-15. Review status: criteria provided, single submitter. Criteria: GeneDx Variant Classification Process June 2021. Collection method: clinical testing. Allele origin: germline. Affected: yes.
Comment: Not observed at significant frequency in large population cohorts (gnomAD); In silico analysis supports that this missense variant does not alter protein structure/function; Has not been previously published as pathogenic or benign to our knowledge